The following is an entry in ClinVar:

ClinVar aggregate classification (germline): Uncertain significance. Review status: criteria provided, multiple submitters, no conflicts (2 of 4 stars). 2 submissions from 2 submitters: Uncertain significance (2). Last evaluated 2025-12-08.

Conditions:
Joubert syndrome 21 (JBTS21). Identifiers: MedGen C3810212, MONDO:0014288, OMIM 615636.
Inborn genetic diseases. Identifiers: MedGen C0950123, MeSH D030342.

Allele frequency attached by ClinVar (database versions not stated): gnomAD exomes 0.00001; ExAC 0.00001.
gnomAD v4.1: 15 of 1,601,498 alleles (0.00094%); highest among the groups gnomAD compares: Non-Finnish European, 0.0012%; no homozygotes.

Submissions (2):

Ambry Genetics
Classification: Uncertain significance for Inborn genetic diseases. Last evaluated: 2025-12-08. Review status: criteria provided, single submitter. Criteria: Ambry Variant Classification Scheme 2023. Collection method: clinical testing. Allele origin: germline.

Labcorp Genetics (formerly Invitae), Labcorp
Classification: Uncertain significance for Joubert syndrome 21. Last evaluated: 2022-08-23. Review status: criteria provided, single submitter. Criteria: Invitae Variant Classification Sherloc (09022015). Collection method: clinical testing. Allele origin: germline.
Comment: In summary, the available evidence is currently insufficient to determine the role of this variant in disease. Therefore, it has been classified as a Variant of Uncertain Significance. Algorithms developed to predict the effect of missense changes on protein structure and function are either unavailable or do not agree on the potential impact of this missense change (SIFT: "Tolerated"; PolyPhen-2: "Probably Damaging"; Align-GVGD: "Class C0"). ClinVar contains an entry for this variant (Variation ID: 1383470). This variant has not been reported in the literature in individuals affected with CSPP1-related conditions. This variant is present in population databases (rs765955382, gnomAD 0.0009%). This sequence change replaces arginine, which is basic and polar, with lysine, which is basic and polar, at codon 832 of the CSPP1 protein (p.Arg832Lys).

NM_001382391.1(CSPP1):c.2510G>A (p.Arg837Lys)

Gene: CSPP1 (centrosome and spindle pole associated protein 1; plus strand). Cytogenetic location: 8q13.2.
Variant type: single nucleotide variant.
Coding change: c.2510G>A on transcript NM_001382391.1 (MANE Select); coding-DNA position 2510, G replaced by A.
Protein change: p.Arg837Lys; replaces arginine 837 with lysine.
Molecular consequence: missense variant.
Genome position (GRCh38, 1-based): chr8:67,159,109, G>A. VCF-style: chr8-67159109-G-A. GRCh37 (hg19) VCF-style: chr8-68071344-G-A.
Other names: c.1460G>A, p.Arg487Lys (NM_001291339.2); c.2429G>A, p.Arg810Lys (NM_001363131.2); c.2315G>A, p.Arg772Lys (NM_001363132.2); c.2234G>A, p.Arg745Lys (NM_001363133.2); c.2576G>A, p.Arg859Lys (NM_001364869.1); c.2396G>A, p.Arg799Lys (NM_001364870.1); c.2495G>A, p.Arg832Lys (NM_024790.7); short protein forms R799K, R859K, R487K, R745K, R832K, R837K, R772K, R810K.
Identifiers: ClinVar variation 1383470 (VCV001383470.5), dbSNP rs765955382, ClinGen allele CA4770851.
Genomic context (GRCh38, chr8:67,159,109, plus strand): 5'-AAAGAAAGAAGAAAGAAGAAGAAGAAAAATATAACCTGCAACTTCAGCACTACTGTGAAA[G>A]AGACAATTTGATTGGGGAAGAAACAAAGGTAAGTTTCAGACAAAAATGTCAATCAAACCC-3'
Protein context (NP_001369320.1, residues 827-847): YNLQLQHYCE[Arg837Lys]DNLIGEETKH